The following is an entry in ClinVar:

ClinVar aggregate classification (germline): Uncertain significance (1 of 4 stars; one submission).

Conditions:
Citrin deficiency. Identifiers: Orphanet 247582, MedGen C1997910, MONDO:0016602.

Allele frequency attached by ClinVar (database versions not stated): gnomAD exomes 0.00001.
gnomAD v4.1: 4 of 1,613,970 alleles (0.00025%); highest among the groups gnomAD compares: Non-Finnish European, 0.00034%; no homozygotes.

Submission:

Labcorp Genetics (formerly Invitae), Labcorp
Classification: Uncertain significance for Citrin deficiency. Last evaluated: 2021-09-17. Review status: criteria provided, single submitter. Criteria: Invitae Variant Classification Sherloc (09022015). Collection method: clinical testing. Allele origin: germline.
Comment: This sequence change replaces valine with isoleucine at codon 199 of the SLC25A13 protein (p.Val199Ile). The valine residue is highly conserved and there is a small physicochemical difference between valine and isoleucine. This variant is not present in population databases (ExAC no frequency). This variant has not been reported in the literature in individuals with SLC25A13-related conditions. Algorithms developed to predict the effect of missense changes on protein structure and function are either unavailable or do not agree on the potential impact of this missense change (SIFT: "Deleterious"; PolyPhen-2: "Possibly Damaging"; Align-GVGD: "Class C0"). In summary, the available evidence is currently insufficient to determine the role of this variant in disease. Therefore, it has been classified as a Variant of Uncertain Significance.

NM_014251.3(SLC25A13):c.595G>A (p.Val199Ile)

Gene: SLC25A13 (solute carrier family 25 member 13; minus strand). Cytogenetic location: 7q21.3.
Variant type: single nucleotide variant.
Coding change: c.595G>A on transcript NM_014251.3 (MANE Select); coding-DNA position 595, G replaced by A.
Protein change: p.Val199Ile; replaces valine 199 with isoleucine.
Molecular consequence: missense variant. On other transcripts: non-coding transcript variant (1).
Genome position (GRCh38, 1-based): chr7:96,193,057, C>T on the plus strand (G>A on the coding strand, the complement: SLC25A13 is on the minus strand). VCF-style: chr7-96193057-C-T. GRCh37 (hg19) VCF-style: chr7-95822369-C-T.
Other names: c.595G>A, p.Val199Ile (NM_001160210.2); short protein forms V199I.
Identifiers: ClinVar variation 1445196 (VCV001445196.5), dbSNP rs2116662640, ClinGen allele CA368263307.